The following is an entry in ClinVar:

ClinVar aggregate classification (germline): Uncertain significance (1 of 4 stars; one submission).

Conditions:
Congenital myasthenic syndrome 8. Also called: MYASTHENIC SYNDROME, CONGENITAL, DUE TO AGRIN DEFICIENCY; Myasthenic syndrome, congenital, 8, with pre- and postsynaptic defects. Identifiers: Orphanet 590, MedGen C3808739, MONDO:0014052, OMIM 615120.

Allele frequency attached by ClinVar (database versions not stated): gnomAD exomes below 0.00001; gnomAD 0.00002; TOPMed below 0.00001; ExAC 0.00001.
gnomAD v4.1: 8 of 1,601,186 alleles (0.0005%); highest among the groups gnomAD compares: African/African-American, 0.0067%; no homozygotes.

Submission:

Labcorp Genetics (formerly Invitae), Labcorp
Classification: Uncertain significance for Congenital myasthenic syndrome 8. Last evaluated: 2022-06-30. Review status: criteria provided, single submitter. Criteria: Invitae Variant Classification Sherloc (09022015). Collection method: clinical testing. Allele origin: germline.
Comment: In summary, the available evidence is currently insufficient to determine the role of this variant in disease. Therefore, it has been classified as a Variant of Uncertain Significance. Algorithms developed to predict the effect of missense changes on protein structure and function are either unavailable or do not agree on the potential impact of this missense change (SIFT: "Tolerated"; PolyPhen-2: "Probably Damaging"; Align-GVGD: "Class C0"). This variant has not been reported in the literature in individuals affected with AGRN-related conditions. This variant is present in population databases (rs758236932, gnomAD 0.009%). This sequence change replaces proline, which is neutral and non-polar, with serine, which is neutral and polar, at codon 598 of the AGRN protein (p.Pro598Ser).

NM_198576.4(AGRN):c.1792C>T (p.Pro598Ser)

Gene: AGRN (agrin; plus strand). Cytogenetic location: 1p36.33.
Variant type: single nucleotide variant.
Coding change: c.1792C>T on transcript NM_198576.4 (MANE Select); coding-DNA position 1792, C replaced by T.
Protein change: p.Pro598Ser; replaces proline 598 with serine.
Molecular consequence: missense variant.
Genome position (GRCh38, 1-based): chr1:1,043,726, C>T. VCF-style: chr1-1043726-C-T. GRCh37 (hg19) VCF-style: chr1-979106-C-T.
Other names: c.1792C>T, p.Pro598Ser (NM_001305275.2); c.1477C>T, p.Pro493Ser (NM_001364727.2); short protein forms P598S, P493S.
Identifiers: ClinVar variation 2079699 (VCV002079699.4), dbSNP rs758236932, ClinGen allele CA508327.
Genomic context (GRCh38, chr1:1,043,726, plus strand): 5'-TGCATGCTGCACGTGCACGCCTGCACACACCAGATCAGCCTGCACGTGGCCTCAGCTGGA[C>T]CCTGTGGTGAGTGAGGCCCTGGGGCCGGGCGGGCCAGGGTCCTGTGCCTCCCTCAGCCTG-3'
Protein context (NP_940978.2, residues 588-608): QISLHVASAG[Pro598Ser]CETCGDAVCA